The following is an entry in ClinVar:

NM_003922.4(HERC1):c.10568T>C (p.Ile3523Thr)

Gene: HERC1 (HECT and RLD domain containing E3 ubiquitin protein ligase family member 1; minus strand). Cytogenetic location: 15q22.31.
Variant type: single nucleotide variant.
Coding change: c.10568T>C on transcript NM_003922.4 (MANE Select); coding-DNA position 10568, T replaced by C.
Protein change: p.Ile3523Thr; replaces isoleucine 3523 with threonine.
Molecular consequence: missense variant.
Genome position (GRCh38, 1-based): chr15:63,649,904, A>G on the plus strand (T>C on the coding strand, the complement: HERC1 is on the minus strand). VCF-style: chr15-63649904-A-G. GRCh37 (hg19) VCF-style: chr15-63942103-A-G.
Other names: c.10568T>C (NM_003922.3); short protein forms I3523T.
Identifiers: ClinVar variation 3620008 (VCV003620008.3).

ClinVar aggregate classification (germline): Uncertain significance. Review status: criteria provided, multiple submitters, no conflicts (2 of 4 stars). 2 submissions from 2 submitters: Uncertain significance (2). Last evaluated 2026-01-19.

Conditions:
Inborn genetic diseases. Identifiers: MedGen C0950123, MeSH D030342.

gnomAD v4.1: 3 of 1,607,928 alleles (0.00019%); highest among the groups gnomAD compares: Admixed American, 0.0017%; no homozygotes.

Submissions (2):

Labcorp Genetics (formerly Invitae), Labcorp
Classification: Uncertain significance. Last evaluated: 2026-01-19. Review status: criteria provided, single submitter. Criteria: Invitae Variant Classification Sherloc (09022015). Collection method: clinical testing. Allele origin: germline.
Comment: This sequence change replaces isoleucine, which is neutral and non-polar, with threonine, which is neutral and polar, at codon 3523 of the HERC1 protein (p.Ile3523Thr). This variant is present in population databases (no rsID available, gnomAD 0.003%). This variant has not been reported in the literature in individuals affected with HERC1-related conditions. ClinVar contains an entry for this variant (Variation ID: 3620008). Invitae Evidence Modeling of protein sequence and biophysical properties (such as structural, functional, and spatial information, amino acid conservation, physicochemical variation, residue mobility, and thermodynamic stability) indicates that this missense variant is expected to disrupt HERC1 protein function with a positive predictive value of 80%. In summary, the available evidence is currently insufficient to determine the role of this variant in disease. Therefore, it has been classified as a Variant of Uncertain Significance.

Ambry Genetics
Classification: Uncertain significance for Inborn genetic diseases. Last evaluated: 2025-11-26. Review status: criteria provided, single submitter. Criteria: Ambry Variant Classification Scheme 2023. Collection method: clinical testing. Allele origin: germline.